The following is an entry in ClinVar:

ClinVar aggregate classification (germline): Uncertain significance (1 of 4 stars; one submission).

Allele frequency attached by ClinVar (database versions not stated): ExAC 0.00002; gnomAD 0.00003; gnomAD exomes 0.00003; TOPMed 0.00003.

Submission:

Labcorp Genetics (formerly Invitae), Labcorp
Classification: Uncertain significance. Last evaluated: 2022-10-14. Review status: criteria provided, single submitter. Criteria: Invitae Variant Classification Sherloc (09022015). Collection method: clinical testing. Allele origin: germline.
Comment: This sequence change replaces valine, which is neutral and non-polar, with methionine, which is neutral and non-polar, at codon 241 of the DGAT1 protein (p.Val241Met). This variant is present in population databases (rs782391605, gnomAD 0.008%). This variant has not been reported in the literature in individuals affected with DGAT1-related conditions. ClinVar contains an entry for this variant (Variation ID: 1446091). Advanced modeling of protein sequence and biophysical properties (such as structural, functional, and spatial information, amino acid conservation, physicochemical variation, residue mobility, and thermodynamic stability) performed at Invitae indicates that this missense variant is not expected to disrupt DGAT1 protein function. Algorithms developed to predict the effect of sequence changes on RNA splicing suggest that this variant may disrupt the consensus splice site. In summary, the available evidence is currently insufficient to determine the role of this variant in disease. Therefore, it has been classified as a Variant of Uncertain Significance.

NM_012079.6(DGAT1):c.721G>A (p.Val241Met)

Gene: DGAT1 (diacylglycerol O-acyltransferase 1; minus strand). Cytogenetic location: 8q24.3.
Variant type: single nucleotide variant.
Coding change: c.721G>A on transcript NM_012079.6 (MANE Select); coding-DNA position 721, G replaced by A.
Protein change: p.Val241Met; replaces valine 241 with methionine.
Molecular consequence: missense variant.
Genome position (GRCh38, 1-based): chr8:144,318,125, C>T on the plus strand (G>A on the coding strand, the complement: DGAT1 is on the minus strand). VCF-style: chr8-144318125-C-T. GRCh37 (hg19) VCF-style: chr8-145541788-C-T.
Other names: short protein forms V241M.
Identifiers: ClinVar variation 1446091 (VCV001446091.3), dbSNP rs782391605, ClinGen allele CA4936884.
Genomic context (GRCh38, chr8:144,318,125, plus strand): 5'-CCCGCACCTCAGGCCCACAGAGGTCCTCACCGCGGTAGGTCAGATTGTCCGGGTAGCTCA[C>T]GGTGTGCGGGGCAGCAGCACTGCTGGCCTTCTTCCCTGCAGAGGCTACGAGCACAGCAGA-3'
Protein context (NP_036211.2, residues 231-251): KASSAAAPHT[Val241Met]SYPDNLTYRD